The following is an entry in ClinVar:

NM_003742.4(ABCB11):c.3319C>T (p.Gln1107Ter)

Gene: ABCB11 (ATP binding cassette subfamily B member 11; minus strand). Cytogenetic location: 2q31.1.
Variant type: single nucleotide variant.
Coding change: c.3319C>T on transcript NM_003742.4 (MANE Select); coding-DNA position 3319, C replaced by T.
Protein change: p.Gln1107Ter; replaces glutamine 1107 with a stop codon.
Molecular consequence: nonsense.
Genome position (GRCh38, 1-based): chr2:168,930,757, G>A on the plus strand (C>T on the coding strand, the complement: ABCB11 is on the minus strand). VCF-style: chr2-168930757-G-A. GRCh37 (hg19) VCF-style: chr2-169787267-G-A.
Other names: short protein forms Q1107*.
Identifiers: ClinVar variation 4993544 (VCV004993544.1).

ClinVar aggregate classification (germline): Likely pathogenic (1 of 4 stars; one submission).

Conditions:
ABCB11-related disorder. Also called: ABCB11-related condition.

Submission:

PreventionGenetics, part of Exact Sciences
Classification: Likely pathogenic for ABCB11-related condition. Last evaluated: 2025-11-25. Review status: criteria provided, single submitter. Criteria: ACMG Guidelines, 2015. Collection method: clinical testing. Allele origin: germline.
Comment: The ABCB11 c.3319C>T variant is predicted to result in premature protein termination (p.Gln1107*). To our knowledge, this variant has not been reported in the literature or in a large population database (gnomAD), indicating this variant is rare. Nonsense variants in ABCB11 are expected to be pathogenic. This variant is interpreted as likely pathogenic.